The following is an entry in ClinVar:

NM_018263.6(ASXL2):c.3479A>C (p.Lys1160Thr)

Gene: ASXL2 (ASXL transcriptional regulator 2; minus strand). Cytogenetic location: 2p23.3.
Variant type: single nucleotide variant.
Coding change: c.3479A>C on transcript NM_018263.6 (MANE Select); coding-DNA position 3479, A replaced by C.
Protein change: p.Lys1160Thr; replaces lysine 1160 with threonine.
Molecular consequence: missense variant.
Genome position (GRCh38, 1-based): chr2:25,742,858, T>G on the plus strand (A>C on the coding strand, the complement: ASXL2 is on the minus strand). VCF-style: chr2-25742858-T-G. GRCh37 (hg19) VCF-style: chr2-25965727-T-G.
Other names: c.3305A>C, p.Lys1102Thr (NM_001369346.1); c.2699A>C, p.Lys900Thr (NM_001369347.1); c.3479A>C (NM_018263.4); short protein forms K1102T, K1160T, K900T.
Identifiers: ClinVar variation 1425431 (VCV001425431.7), dbSNP rs766551006, ClinGen allele CA1557468.

ClinVar aggregate classification (germline): Uncertain significance. Review status: criteria provided, multiple submitters, no conflicts (2 of 4 stars). 2 submissions from 2 submitters: Uncertain significance (2). Last evaluated 2026-01-19.

Conditions:
Inborn genetic diseases. Identifiers: MedGen C0950123, MeSH D030342.

Allele frequency attached by ClinVar (database versions not stated): ExAC 0.00001; gnomAD exomes 0.00001 and 0.00002; TOPMed 0.00001.
gnomAD v4.1: 5 of 1,614,020 alleles (0.00031%); highest among the groups gnomAD compares: Admixed American, 0.0083%; no homozygotes.

Submissions (2):

Labcorp Genetics (formerly Invitae), Labcorp
Classification: Uncertain significance. Last evaluated: 2026-01-19. Review status: criteria provided, single submitter. Criteria: Invitae Variant Classification Sherloc (09022015). Collection method: clinical testing. Allele origin: germline.
Comment: This sequence change replaces lysine, which is basic and polar, with threonine, which is neutral and polar, at codon 1160 of the ASXL2 protein (p.Lys1160Thr). This variant is present in population databases (rs766551006, gnomAD 0.01%). This variant has not been reported in the literature in individuals affected with ASXL2-related conditions. ClinVar contains an entry for this variant (Variation ID: 1425431). Invitae Evidence Modeling of protein sequence and biophysical properties (such as structural, functional, and spatial information, amino acid conservation, physicochemical variation, residue mobility, and thermodynamic stability) indicates that this missense variant is not expected to disrupt ASXL2 protein function with a negative predictive value of 80%. In summary, the available evidence is currently insufficient to determine the role of this variant in disease. Therefore, it has been classified as a Variant of Uncertain Significance.

Ambry Genetics
Classification: Uncertain significance for Inborn genetic diseases. Last evaluated: 2021-11-22. Review status: criteria provided, single submitter. Criteria: Ambry Variant Classification Scheme 2023. Collection method: clinical testing. Allele origin: germline.